The following is an entry in ClinVar:

ClinVar aggregate classification (germline): Conflicting classifications of pathogenicity. Review status: criteria provided, conflicting classifications (1 of 4 stars). 3 submissions from 3 submitters: Uncertain significance (1); Likely benign (1). 1 of the submissions does not count toward it. Last evaluated 2025-03-25.

Conditions:
HMCN1-related disorder. Also called: HMCN1-related condition.
Age related macular degeneration 1 (ARMD1). Also called: MACULOPATHY, AGE-RELATED, 1. Identifiers: MedGen C1864205, MONDO:0011285, OMIM 603075.

Allele frequency attached by ClinVar (database versions not stated): gnomAD 0.00005 and 0.00006; TOPMed 0.00005; gnomAD exomes 0.00007 and 0.00010; ExAC 0.00019; 1000 Genomes Project 0.00040; 1000 Genomes Project 30x 0.00047.
gnomAD v4.1: 117 of 1,613,168 alleles (0.0073%); highest among the groups gnomAD compares: Non-Finnish European, 0.0087%; no homozygotes.

Submissions (3):

Labcorp Genetics (formerly Invitae), Labcorp
Classification: Likely benign. Last evaluated: 2025-03-25. Review status: criteria provided, single submitter. Criteria: Invitae Variant Classification Sherloc (09022015). Collection method: clinical testing. Allele origin: germline.

Illumina Laboratory Services, Illumina
Classification: Uncertain significance for Age related macular degeneration 1. Last evaluated: 2018-01-12. Review status: criteria provided, single submitter. Criteria: ICSL Variant Classification Criteria 13 December 2019. Collection method: clinical testing. Allele origin: germline.

PreventionGenetics, part of Exact Sciences
Classification: Likely benign for HMCN1-related condition. Last evaluated: 2020-07-30. Review status: no assertion criteria provided. Collection method: clinical testing. Allele origin: germline. Not counted in ClinVar's aggregate classification.
Comment: This variant is classified as likely benign based on ACMG/AMP sequence variant interpretation guidelines (Richards et al. 2015 PMID: 25741868, with internal and published modifications).

NM_031935.3(HMCN1):c.8241A>G (p.Ala2747=)

Gene: HMCN1 (hemicentin 1; plus strand). Cytogenetic location: 1q31.1.
Variant type: single nucleotide variant.
Coding change: c.8241A>G on transcript NM_031935.3 (MANE Select); coding-DNA position 8241, A replaced by G.
Protein change: p.Ala2747=; no amino-acid change (alanine 2747 retained).
Molecular consequence: synonymous variant.
Genome position (GRCh38, 1-based): chr1:186,074,842, A>G. VCF-style: chr1-186074842-A-G. GRCh37 (hg19) VCF-style: chr1-186043974-A-G.
Identifiers: ClinVar variation 294196 (VCV000294196.11), dbSNP rs183725854, ClinGen allele CA1293071.